The following is an entry in ClinVar:

ClinVar aggregate classification (germline): Uncertain significance (1 of 4 stars; one submission).

Submission:

GeneDx
Classification: Uncertain significance. Last evaluated: 2024-12-13. Review status: criteria provided, single submitter. Criteria: GeneDx Variant Classification Process June 2021. Collection method: clinical testing. Allele origin: germline. Affected: yes.
Comment: Not observed at significant frequency in large population cohorts (gnomAD); In-frame deletion of 7 amino acid(s) in a non-repeat region; In silico analysis supports a deleterious effect on protein structure/function; Has not been previously published as pathogenic or benign to our knowledge

NM_001386135.1(AFF3):c.1249_1269del (p.Gly420_Ser426del)

Gene: AFF3 (ALF transcription elongation factor 3; minus strand). Cytogenetic location: 2q11.2.
Variant type: Deletion.
Coding change: c.1249_1269del on transcript NM_001386135.1 (MANE Select); coding-DNA positions 1249 to 1269, 21 bases deleted (AGCAGCAGCGGCAGCAGCAGC).
Protein change: p.Gly420_Ser426del.
Molecular consequence: inframe deletion.
Genome position (GRCh38, 1-based): chr2:99,601,537-99,601,557, GCTGCTGCTGCCGCTGCTGCT deleted on the plus strand (AGCAGCAGCGGCAGCAGCAGC on the coding strand, the reverse complement: AFF3 is on the minus strand); deleting any 21 consecutive bases within chr2:99,601,537-99,601,568 gives the same sequence; the c. name uses the placement nearest the transcript's 3' end. VCF-style (leftmost placement, unchanged base first): chr2-99601536-AGCTGCTGCTGCCGCTGCTGCT-A. GRCh37 (hg19) VCF-style: chr2-100217998-AGCTGCTGCTGCCGCTGCTGCT-A.
Other names: c.1324_1344del, p.Gly445_Ser451del (NM_001025108.2); c.1249_1269del, p.Gly420_Ser426del (NM_002285.3).
Identifiers: ClinVar variation 3903075 (VCV003903075.1).